The following is an entry in ClinVar:

ClinVar aggregate classification (germline): Pathogenic (1 of 4 stars; one submission).

Conditions:
Kleefstra syndrome 1 (KLEFS1). Identifiers: Orphanet 261494, MedGen C0795833, MONDO:0027407, OMIM 610253.

Submission:

Laboratory of Genetics, Children's Clinical University Hospital Latvia
Classification: Pathogenic for Kleefstra syndrome 1. Review status: criteria provided, single submitter. Criteria: ACMG Guidelines, 2015. Collection method: curation. Allele origin: de novo. Affected: yes.
Comment: de novo

Literature cited by the submitters: PubMed 39013458.

NM_024757.5(EHMT1):c.3577G>C (p.Gly1193Arg)

Gene: EHMT1 (euchromatic histone lysine methyltransferase 1; plus strand). Cytogenetic location: 9q34.3.
Variant type: single nucleotide variant.
Coding change: c.3577G>C on transcript NM_024757.5 (MANE Select); coding-DNA position 3577, G replaced by C.
Protein change: p.Gly1193Arg; replaces glycine 1193 with arginine.
Molecular consequence: missense variant.
Genome position (GRCh38, 1-based): chr9:137,834,385, G>C. VCF-style: chr9-137834385-G-C. GRCh37 (hg19) VCF-style: chr9-140728837-G-C.
Other names: c.3556G>C, p.Gly1186Arg (NM_001354263.2); short protein forms G1186R, G1193R.
Identifiers: ClinVar variation 3236888 (VCV003236888.1).
Genomic context (GRCh38, chr9:137,834,385, plus strand): 5'-CCGTGCCGGCTTCTCGCCCTGCAGGACGGGGAGGTTTACTGCATCGACGCGCGGTTCTAC[G>C]GGAACGTCAGCCGGTTCATCAACCACCACTGCGAGCCCAACCTGGTGCCCGTGCGCGTGT-3'
Protein context (NP_079033.4, residues 1183-1203): EVYCIDARFY[Gly1193Arg]NVSRFINHHC